The following is an entry in ClinVar:

ClinVar aggregate classification (germline): Pathogenic. Review status: criteria provided, multiple submitters, no conflicts (2 of 4 stars). 2 submissions from 2 submitters: Pathogenic (2). Last evaluated 2025-03-13.

Conditions:
Galactosylceramide beta-galactosidase deficiency. Also called: Leukodystrophy, Globoid Cell; Krabbe Disease; GALACTOCEREBROSIDASE DEFICIENCY; GALC DEFICIENCY; GLOBOID CELL LEUKOENCEPHALOPATHY. Identifiers: Orphanet 487, MedGen C0023521, MONDO:0009499, OMIM 245200.

Submissions (2):

Natera, Inc.
Classification: Pathogenic for Galactosylceramide beta-galactosidase deficiency. Last evaluated: 2025-03-13. Review status: criteria provided, single submitter. Criteria: Natera Variant Classification Schema (03/2026). Collection method: clinical testing. Allele origin: germline.
Comment: The c.683_694delATCTCTGGGAGTinsCTC variant in GALC is a deletion-insertion (delins) variant predicted to replace one or more nucleotides with a different sequence. This variant is rare in the general population with a frequency below the threshold expected for the associated phenotype(s). This variant has been observed in one or more individuals affected with the associated recessive disease, as either homozygous or compound heterozygous with a second variant (PMID: 27780934, 24252386, 38515343). Functional studies show that this variant may disrupt protein function (PMID: 24252386). This variant results in a change to the protein length while preserving reading frame, which may disrupt normal protein structure or function. Computational prediction algorithms indicate this variant is likely to affect gene or protein function. Given the available evidence, this variant is classified as Pathogenic.

Women's Health and Genetics/Laboratory Corporation of America, LabCorp
Classification: Pathogenic for Galactosylceramide beta-galactosidase deficiency. Last evaluated: 2021-12-20. Review status: criteria provided, single submitter. Criteria: LabCorp Variant Classification Summary - May 2015. Collection method: clinical testing. Allele origin: germline.
Comment: Variant summary: GALC c.683_694delinsCTC (p.Asn228_Ser232delinsThrPro) results in an in-frame deletion-insertion that is predicted to delete five amino acids (NLWES) from the protein and also insert two amino acids (TP). The variant was absent in 249822 control chromosomes (gnomAD and publication data). c.683_694delinsCTC has been reported in the literature in multiple individuals affected with Krabbe Disease, including homozygotes (Tatsumi_1995, Xu_2006, Hossain_2013). These data indicate that the variant is very likely to be associated with disease. At least one functional study reports this variant results in reducing GALC activity (less than 10% compared to WT) and protein processing is markedly inhibited. No clinical diagnostic laboratories have submitted clinical-significance assessments for this variant to ClinVar after 2014. Based on the evidence outlined above, the variant was classified as pathogenic.

Literature cited by the submitters: PubMed 27780934 (cited by Natera, Inc.); PubMed 24252386 (cited by Natera, Inc. and Women's Health and Genetics/Laboratory Corporation of America, LabCorp); PubMed 38515343 (cited by Natera, Inc.); PubMed 16607461 (cited by Women's Health and Genetics/Laboratory Corporation of America, LabCorp); PubMed 8595408 (cited by Women's Health and Genetics/Laboratory Corporation of America, LabCorp).

NM_000153.4(GALC):c.683_694delinsCTC (p.Asn228_Ser232delinsThrPro)

Gene: GALC (galactosylceramidase; minus strand). Cytogenetic location: 14q31.3.
Variant type: Indel.
Coding change: c.683_694delinsCTC on transcript NM_000153.4 (MANE Select); coding-DNA positions 683 to 694, ATCTCTGGGAGT replaced by CTC.
Protein change: p.Asn228_Ser232delinsThrPro.
Molecular consequence: inframe indel.
Genome position (GRCh38, 1-based): chr14:87,976,416-87,976,427, ACTCCCAGAGAT replaced by GAG on the plus strand (ATCTCTGGGAGT replaced by CTC on the coding strand, the reverse complement: GALC is on the minus strand). VCF-style: chr14-87976416-ACTCCCAGAGAT-GAG. GRCh37 (hg19) VCF-style: chr14-88442760-ACTCCCAGAGAT-GAG.
Other names: c.683_694delATCTCTGGGAGTinsCTC (NM_000153.3); c.614_625delinsCTC, p.Asn205_Ser209delinsThrPro (NM_001201401.2); c.605_616delinsCTC, p.Asn202_Ser206delinsThrPro (NM_001201402.2).
Identifiers: ClinVar variation 1331457 (VCV001331457.2), dbSNP rs2140016243, ClinGen allele CA2573053949.